The following is an entry in ClinVar:

ClinVar aggregate classification (germline): Uncertain significance (1 of 4 stars; one submission).

Allele frequency attached by ClinVar (database versions not stated): gnomAD exomes below 0.00001.
gnomAD v4.1: 4 of 1,614,244 alleles (0.00025%); highest among the groups gnomAD compares: South Asian, 0.0011%; 1 homozygote.

Submission:

Labcorp Genetics (formerly Invitae), Labcorp
Classification: Uncertain significance. Last evaluated: 2024-10-25. Review status: criteria provided, single submitter. Criteria: Invitae Variant Classification Sherloc (09022015). Collection method: clinical testing. Allele origin: germline.
Comment: This sequence change replaces isoleucine, which is neutral and non-polar, with valine, which is neutral and non-polar, at codon 98 of the ASRGL1 protein (p.Ile98Val). This variant is not present in population databases (gnomAD no frequency). This variant has not been reported in the literature in individuals affected with ASRGL1-related conditions. ClinVar contains an entry for this variant (Variation ID: 1960321). An algorithm developed to predict the effect of missense changes on protein structure and function outputs the following: PolyPhen-2: "Benign". The valine amino acid residue is found in multiple mammalian species, which suggests that this missense change does not adversely affect protein function. In summary, the available evidence is currently insufficient to determine the role of this variant in disease. Therefore, it has been classified as a Variant of Uncertain Significance.

NM_001083926.2(ASRGL1):c.292A>G (p.Ile98Val)

Gene: ASRGL1 (asparaginase and isoaspartyl peptidase 1; plus strand). Cytogenetic location: 11q12.3.
Variant type: single nucleotide variant.
Coding change: c.292A>G on transcript NM_001083926.2 (MANE Select); coding-DNA position 292, A replaced by G.
Protein change: p.Ile98Val; replaces isoleucine 98 with valine.
Molecular consequence: missense variant.
Genome position (GRCh38, 1-based): chr11:62,356,426, A>G. VCF-style: chr11-62356426-A-G. GRCh37 (hg19) VCF-style: chr11-62123898-A-G.
Other names: c.292A>G, p.Ile98Val (NM_025080.4); short protein forms I98V.
Identifiers: ClinVar variation 1960321 (VCV001960321.5), dbSNP rs2495208397, ClinGen allele CA380865450.